The following is an entry in ClinVar:

NM_019616.4(F7):c.659T>C (p.Leu220Pro)

Gene: F7 (coagulation factor VII; plus strand). Cytogenetic location: 13q34.
Variant type: single nucleotide variant.
Coding change: c.659T>C on transcript NM_019616.4 (MANE Select); coding-DNA position 659, T replaced by C.
Protein change: p.Leu220Pro; replaces leucine 220 with proline.
Molecular consequence: missense variant. On other transcripts: non-coding transcript variant (1).
Genome position (GRCh38, 1-based): chr13:113,117,516, T>C. VCF-style: chr13-113117516-T-C. GRCh37 (hg19) VCF-style: chr13-113771830-T-C.
Other names: p.Leu242Pro; c.725T>C, p.Leu242Pro (NM_000131.5); c.473T>C, p.Leu158Pro (NM_001267554.2); short protein forms L158P, L220P, L242P.
Identifiers: ClinVar variation 3381105 (VCV003381105.1).
Genomic context (GRCh38, chr13:113,117,516, plus strand): 5'-CCTGTCCCCCCGCCCAGGTCCTGTTGTTGGTGAATGGAGCTCAGTTGTGTGGGGGGACCC[T>C]GATCAACACCATCTGGGTGGTCTCCGCGGCCCACTGTTTCGACAAAATCAAGAACTGGAG-3'
Protein context (NP_062562.1, residues 210-230): VNGAQLCGGT[Leu220Pro]INTIWVVSAA

ClinVar aggregate classification (germline): Likely pathogenic (1 of 4 stars; one submission).

Submission:

Mayo Clinic Laboratories, Mayo Clinic
Classification: Likely pathogenic. Last evaluated: 2023-10-24. Review status: criteria provided, single submitter. Criteria: ACMG Guidelines, 2015. Collection method: clinical testing. Allele origin: germline. Observed: 1 variant allele.
Comment: PM1, PM2_moderate, PS4_moderate

Literature cited by the submitters: PubMed 37521340.